The following is an entry in ClinVar:

ClinVar aggregate classification (germline): Uncertain significance. Review status: criteria provided, single submitter (1 of 4 stars). 2 submissions from 2 submitters: Uncertain significance (1). 1 of the submissions does not count toward it. Last evaluated 2018-02-22.

Conditions:
AKR1D1-related disorder. Also called: AKR1D1-related condition.

Allele frequency attached by ClinVar (database versions not stated): gnomAD exomes below 0.00001; gnomAD 0.00001; TOPMed 0.00001.
gnomAD v4.1: 5 of 1,613,418 alleles (0.00031%); highest among the groups gnomAD compares: African/African-American, 0.0067%; no homozygotes.

Submissions (2):

Eurofins Ntd Llc (ga)
Classification: Uncertain significance. Last evaluated: 2018-02-22. Review status: criteria provided, single submitter. Criteria: EGL ClinVar v180209 classification definitions. Collection method: clinical testing. Allele origin: germline. Observed: 1 variant allele, 1 heterozygote.

PreventionGenetics, part of Exact Sciences
Classification: Likely benign for AKR1D1-related condition. Last evaluated: 2021-10-25. Review status: no assertion criteria provided. Collection method: clinical testing. Allele origin: germline. Not counted in ClinVar's aggregate classification.
Comment: This variant is classified as likely benign based on ACMG/AMP sequence variant interpretation guidelines (Richards et al. 2015 PMID: 25741868, with internal and published modifications).

NM_005989.4(AKR1D1):c.24C>T (p.His8=)

Gene: AKR1D1 (aldo-keto reductase family 1 member D1; plus strand). Cytogenetic location: 7q33.
Variant type: single nucleotide variant.
Coding change: c.24C>T on transcript NM_005989.4 (MANE Select); coding-DNA position 24, C replaced by T.
Protein change: p.His8=; no amino-acid change (histidine 8 retained).
Molecular consequence: synonymous variant.
Genome position (GRCh38, 1-based): chr7:138,076,542, C>T. VCF-style: chr7-138076542-C-T. GRCh37 (hg19) VCF-style: chr7-137761288-C-T.
Other names: c.24C>T, p.His8= (NM_001190906.2, NM_001190907.2); c.24C>T (NM_005989.3).
Identifiers: ClinVar variation 596197 (VCV000596197.7), dbSNP rs138462322, ClinGen allele CA167097452.